The following is an entry in ClinVar:

ClinVar aggregate classification (germline): Benign (1 of 4 stars; one submission).

Conditions:
Split hand-foot malformation 3. Also called: CHROMOSOME 10q24 DUPLICATION SYNDROME; SHSF3; Buttiens Fryns syndrome. Identifiers: Orphanet 1307, MedGen C1838652, MONDO:0009525, OMIM 246560.

Allele frequency attached by ClinVar (database versions not stated): gnomAD exomes 0.00191; 1000 Genomes Project 0.01478; 1000 Genomes Project 30x 0.01608; gnomAD 0.01649 and 0.01794; TOPMed 0.01839.

Submission:

Illumina Laboratory Services, Illumina
Classification: Benign for Split hand-foot malformation 3. Last evaluated: 2018-01-12. Review status: criteria provided, single submitter. Criteria: ICSL Variant Classification Criteria 13 December 2019. Collection method: clinical testing. Allele origin: germline.
Comment: This variant was observed in the ICSL laboratory as part of a predisposition screen in an ostensibly healthy population. It had not been previously curated by ICSL or reported in the Human Gene Mutation Database (HGMD: prior to June 1st, 2018), and was therefore a candidate for classification through an automated scoring system. Utilizing variant allele frequency, disease prevalence and penetrance estimates, and inheritance mode, an automated score was calculated to assess if this variant is too frequent to cause the disease. Based on the score and internal cut-off values, a variant classified as benign is not then subjected to further curation. The score for this variant resulted in a classification of benign for this disease.

NM_022039.4(FBXW4):c.*259C>T

Gene: FBXW4 (F-box and WD repeat domain containing 4; minus strand). Cytogenetic location: 10q24.32.
Variant type: single nucleotide variant.
Coding change: c.*259C>T on transcript NM_022039.4 (MANE Select); 259 bases downstream of the stop codon, C replaced by T.
Molecular consequence: 3 prime UTR variant. On other transcripts: non-coding transcript variant (1).
Genome position (GRCh38, 1-based): chr10:101,611,032, G>A on the plus strand (C>T on the coding strand, the complement: FBXW4 is on the minus strand). VCF-style: chr10-101611032-G-A. GRCh37 (hg19) VCF-style: chr10-103370789-G-A.
Other names: c.*259C>T (NM_001323541.2).
Identifiers: ClinVar variation 298525 (VCV000298525.5), dbSNP rs80085258, ClinGen allele CA10627890.